The following is an entry in ClinVar:

ClinVar aggregate classification (germline): Uncertain significance (1 of 4 stars; one submission).

Conditions:
Hereditary cancer-predisposing syndrome. Also called: Neoplastic Syndromes, Hereditary; Hereditary Cancer Syndrome; Tumor predisposition; Hereditary neoplastic syndrome. Identifiers: Orphanet 140162, MedGen C0027672, MeSH D009386, MONDO:0015356.

gnomAD v4.1: 1 of 1,613,444 alleles (0.000062%); highest among the groups gnomAD compares: South Asian, 0.0011%; no homozygotes.

Submission:

Ambry Genetics
Classification: Uncertain significance for Hereditary cancer-predisposing syndrome. Last evaluated: 2025-02-14. Review status: criteria provided, single submitter. Criteria: Ambry Variant Classification Scheme 2023. Collection method: clinical testing. Allele origin: germline.
Comment: The p.S1270Y variant (also known as c.3809C>A), located in coding exon 25 of the ATM gene, results from a C to A substitution at nucleotide position 3809. The serine at codon 1270 is replaced by tyrosine, an amino acid with dissimilar properties. This amino acid position is well conserved in available vertebrate species. In addition, this alteration is predicted to be tolerated by in silico analysis. Based on the available evidence, the clinical significance of this variant remains unclear.

NM_000051.4(ATM):c.3809C>A (p.Ser1270Tyr)

Gene: ATM (ATM serine/threonine kinase; plus strand). Cytogenetic location: 11q22.3.
Variant type: single nucleotide variant.
Coding change: c.3809C>A on transcript NM_000051.4 (MANE Select); coding-DNA position 3809, C replaced by A.
Protein change: p.Ser1270Tyr; replaces serine 1270 with tyrosine.
Molecular consequence: missense variant.
Genome position (GRCh38, 1-based): chr11:108,284,289, C>A. VCF-style: chr11-108284289-C-A. GRCh37 (hg19) VCF-style: chr11-108155016-C-A.
Other names: c.3809C>A, p.Ser1270Tyr (NM_001351834.2); short protein forms S1270Y.
Identifiers: ClinVar variation 3802438 (VCV003802438.1).
Genomic context (GRCh38, chr11:108,284,289, plus strand): 5'-CTTGTTATAAGGTTTTGATTCCACATCTGGTGATTAGAAGTCATTTTGATGAGGTGAAGT[C>A]CATTGCTAATCAGATTCAAGAGGACTGGAAAAGTCTTCTAACAGACTGCTTTCCAAAGAT-3'
Protein context (NP_000042.3, residues 1260-1280): VIRSHFDEVK[Ser1270Tyr]IANQIQEDWK